The following is an entry in ClinVar:

NM_144997.7(FLCN):c.1601A>T (p.Lys534Met)

Gene: FLCN (folliculin; minus strand). Cytogenetic location: 17p11.2.
Variant type: single nucleotide variant.
Coding change: c.1601A>T on transcript NM_144997.7 (MANE Select); coding-DNA position 1601, A replaced by T.
Protein change: p.Lys534Met; replaces lysine 534 with methionine.
Molecular consequence: missense variant.
Genome position (GRCh38, 1-based): chr17:17,213,794, T>A on the plus strand (A>T on the coding strand, the complement: FLCN is on the minus strand). VCF-style: chr17-17213794-T-A. GRCh37 (hg19) VCF-style: chr17-17117108-T-A.
Other names: c.1655A>T, p.Lys552Met (NM_001353229.2); c.1601A>T, p.Lys534Met (NM_001353230.2, NM_001353231.2); short protein forms K534M, K552M.
Identifiers: ClinVar variation 4533168 (VCV004533168.2).

ClinVar aggregate classification (germline): Uncertain significance. Review status: criteria provided, multiple submitters, no conflicts (2 of 4 stars). 2 submissions from 2 submitters: Uncertain significance (2). Last evaluated 2025-05-18.

Conditions:
Birt-Hogg-Dube syndrome. Also called: Birt Hogg Dubé syndrome. Identifiers: Orphanet 122, MedGen C0346010, MONDO:0800444.

Submissions (2):

Labcorp Genetics (formerly Invitae), Labcorp
Classification: Uncertain significance for Birt-Hogg-Dube syndrome. Last evaluated: 2025-05-18. Review status: criteria provided, single submitter. Criteria: Invitae Variant Classification Sherloc (09022015). Collection method: clinical testing. Allele origin: germline.
Comment: This sequence change replaces lysine, which is basic and polar, with methionine, which is neutral and non-polar, at codon 534 of the FLCN protein (p.Lys534Met). This variant is not present in population databases (gnomAD no frequency). This variant has not been reported in the literature in individuals affected with FLCN-related conditions. Invitae Evidence Modeling of protein sequence and biophysical properties (such as structural, functional, and spatial information, amino acid conservation, physicochemical variation, residue mobility, and thermodynamic stability) has been performed for this missense variant. However, the output from this modeling did not meet the statistical confidence thresholds required to predict the impact of this variant on FLCN protein function. In summary, the available evidence is currently insufficient to determine the role of this variant in disease. Therefore, it has been classified as a Variant of Uncertain Significance.

Quest Diagnostics Nichols Institute San Juan Capistrano
Classification: Uncertain significance. Last evaluated: 2025-05-05. Review status: criteria provided, single submitter. Criteria: Quest Diagnostics criteria. Collection method: clinical testing. Allele origin: unknown.
Comment: The FLCN c.1601A>T (p.Lys534Met) variant has not been reported in individuals with FLCN-related conditions in the published literature. It also has not been reported in large, multi-ethnic general populations (Genome Aggregation Database). Analysis of this variant using bioinformatics tools for the prediction of the effect of amino acid changes on protein structure and function yielded conflicting predictions that this variant is benign or damaging. Based on the available information, we are unable to determine the clinical significance of this variant.